The following is an entry in ClinVar:

NM_018489.3(ASH1L):c.4136A>C (p.Tyr1379Ser)

Gene: ASH1L (ASH1 like histone lysine methyltransferase; minus strand). Cytogenetic location: 1q22.
Variant type: single nucleotide variant.
Coding change: c.4136A>C on transcript NM_018489.3 (MANE Select); coding-DNA position 4136, A replaced by C.
Protein change: p.Tyr1379Ser; replaces tyrosine 1379 with serine.
Molecular consequence: missense variant.
Genome position (GRCh38, 1-based): chr1:155,478,734, T>G on the plus strand (A>C on the coding strand, the complement: ASH1L is on the minus strand). VCF-style: chr1-155478734-T-G. GRCh37 (hg19) VCF-style: chr1-155448525-T-G.
Other names: c.4136A>C, p.Tyr1379Ser (NM_001366177.2); short protein forms Y1379S.
Identifiers: ClinVar variation 3362205 (VCV003362205.1).
Genomic context (GRCh38, chr1:155,478,734, plus strand): 5'-CCTAATCCTATGGGAGCAGCTGTAAGGGGTGAAGGAGAGTAAGGCATACCATAAGATGGA[T>G]AGAATCCAGTACTAGAAAGAGGAAAACTAAGGCTGTGCATAAAAGGCATTTCAGCCATTG-3'
Protein context (NP_060959.2, residues 1369-1389): LSFPLSSTGF[Tyr1379Ser]PSYGMPYSPS

ClinVar aggregate classification (germline): Uncertain significance (1 of 4 stars; one submission).

Submission:

GeneDx
Classification: Uncertain significance. Last evaluated: 2023-06-02. Review status: criteria provided, single submitter. Criteria: GeneDx Variant Classification Process June 2021. Collection method: clinical testing. Allele origin: germline. Affected: yes.
Comment: Has not been previously published as pathogenic or benign to our knowledge; In silico analysis supports that this missense variant does not alter protein structure/function; Not observed at significant frequency in large population cohorts (gnomAD)